The following is an entry in ClinVar:

NM_006514.4(SCN10A):c.2350G>A (p.Val784Met)

Gene: SCN10A (sodium voltage-gated channel alpha subunit 10; minus strand). Cytogenetic location: 3p22.2.
Variant type: single nucleotide variant.
Coding change: c.2350G>A on transcript NM_006514.4 (MANE Select); coding-DNA position 2350, G replaced by A.
Protein change: p.Val784Met; replaces valine 784 with methionine.
Molecular consequence: missense variant.
Genome position (GRCh38, 1-based): chr3:38,728,832, C>T on the plus strand (G>A on the coding strand, the complement: SCN10A is on the minus strand). VCF-style: chr3-38728832-C-T. GRCh37 (hg19) VCF-style: chr3-38770323-C-T.
Other names: c.2350G>A, p.Val784Met (NM_001293306.2); c.2056G>A, p.Val686Met (NM_001293307.2); short protein forms V686M, V784M.
Identifiers: ClinVar variation 3713377 (VCV003713377.2).

ClinVar aggregate classification (germline): Uncertain significance (1 of 4 stars; one submission).

Conditions:
Brugada syndrome. Also called: Sudden unexpected nocturnal death syndrome; Sudden unexplained nocturnal death syndrome; Sudden Unexplained Death Syndrome; Sudden Unexplained Nocturnal Death Syndrome (SUNDS). Identifiers: Orphanet 130, MedGen C1142166, MONDO:0015263.

gnomAD v4.1: 2 of 1,614,220 alleles (0.00012%); highest among the groups gnomAD compares: Admixed American, 0.0017%; no homozygotes.

Submission:

Labcorp Genetics (formerly Invitae), Labcorp
Classification: Uncertain significance for Brugada syndrome. Last evaluated: 2024-06-02. Review status: criteria provided, single submitter. Criteria: Invitae Variant Classification Sherloc (09022015). Collection method: clinical testing. Allele origin: germline.
Comment: This sequence change replaces valine, which is neutral and non-polar, with methionine, which is neutral and non-polar, at codon 784 of the SCN10A protein (p.Val784Met). This variant is present in population databases (no rsID available, gnomAD 0.003%). This variant has not been reported in the literature in individuals affected with SCN10A-related conditions. Advanced modeling of protein sequence and biophysical properties (such as structural, functional, and spatial information, amino acid conservation, physicochemical variation, residue mobility, and thermodynamic stability) performed at Invitae indicates that this missense variant is not expected to disrupt SCN10A protein function with a negative predictive value of 80%. In summary, the available evidence is currently insufficient to determine the role of this variant in disease. Therefore, it has been classified as a Variant of Uncertain Significance.